The following is an entry in ClinVar:

NM_017671.5(FERMT1):c.1612G>A (p.Glu538Lys)

Gene: FERMT1 (FERM domain containing kindlin 1; minus strand). Cytogenetic location: 20p12.3.
Variant type: single nucleotide variant.
Coding change: c.1612G>A on transcript NM_017671.5 (MANE Select); coding-DNA position 1612, G replaced by A.
Protein change: p.Glu538Lys; replaces glutamic acid 538 with lysine.
Molecular consequence: missense variant.
Genome position (GRCh38, 1-based): chr20:6,084,146, C>T on the plus strand (G>A on the coding strand, the complement: FERMT1 is on the minus strand). VCF-style: chr20-6084146-C-T. GRCh37 (hg19) VCF-style: chr20-6064793-C-T.
Other names: short protein forms E538K.
Identifiers: ClinVar variation 1989632 (VCV001989632.1), dbSNP rs759081476, ClinGen allele CA9758078.
Genomic context (GRCh38, chr20:6,084,146, plus strand): 5'-CCTGGATGAACCGCAGCTTGGCTTCGACCAGGGGCATCTGGGCCACGTTCTGGTGCGCCT[C>T]CAGGATCCGGGCGGCCAGCTGAACAGAAACAGACATCAACCTCTCTTCACATGCACCGGC-3'
Protein context (NP_060141.3, residues 528-548): KSKQLAARIL[Glu538Lys]AHQNVAQMPL

ClinVar aggregate classification (germline): Uncertain significance (1 of 4 stars; one submission).

Allele frequency attached by ClinVar (database versions not stated): gnomAD exomes below 0.00001; ExAC 0.00001.
gnomAD v4.1: 2 of 1,612,948 alleles (0.00012%); highest among the groups gnomAD compares: Admixed American, 0.0017%; no homozygotes.

Submission:

Labcorp Genetics (formerly Invitae), Labcorp
Classification: Uncertain significance. Last evaluated: 2022-04-15. Review status: criteria provided, single submitter. Criteria: Invitae Variant Classification Sherloc (09022015). Collection method: clinical testing. Allele origin: germline.
Comment: This sequence change replaces glutamic acid, which is acidic and polar, with lysine, which is basic and polar, at codon 538 of the FERMT1 protein (p.Glu538Lys). This variant is present in population databases (rs759081476, gnomAD 0.003%). This variant has not been reported in the literature in individuals affected with FERMT1-related conditions. Algorithms developed to predict the effect of missense changes on protein structure and function are either unavailable or do not agree on the potential impact of this missense change (SIFT: "Deleterious"; PolyPhen-2: "Probably Damaging"; Align-GVGD: "Class C15"). In summary, the available evidence is currently insufficient to determine the role of this variant in disease. Therefore, it has been classified as a Variant of Uncertain Significance.